The following is an entry in ClinVar:

ClinVar aggregate classification (germline): Uncertain significance (1 of 4 stars; one submission).

gnomAD v4.1: 9 of 1,609,868 alleles (0.00056%); highest among the groups gnomAD compares: Non-Finnish European, 0.00068%; no homozygotes.

Submission:

Labcorp Genetics (formerly Invitae), Labcorp
Classification: Uncertain significance. Last evaluated: 2024-11-26. Review status: criteria provided, single submitter. Criteria: Invitae Variant Classification Sherloc (09022015). Collection method: clinical testing. Allele origin: germline.
Comment: This sequence change falls in intron 11 of the IMPDH1 gene. It does not directly change the encoded amino acid sequence of the IMPDH1 protein. It affects a nucleotide within the consensus splice site. This variant is present in population databases (no rsID available, gnomAD 0.0009%). This variant has not been reported in the literature in individuals affected with IMPDH1-related conditions. Variants that disrupt the consensus splice site are a relatively common cause of aberrant splicing (PMID: 17576681, 9536098). Algorithms developed to predict the effect of sequence changes on RNA splicing suggest that this variant may disrupt the consensus splice site. In summary, the available evidence is currently insufficient to determine the role of this variant in disease. Therefore, it has been classified as a Variant of Uncertain Significance.

Literature cited by the submitters: PubMed 17576681; PubMed 9536098.

NM_000883.4(IMPDH1):c.1165+5G>C

Gene: IMPDH1 (inosine monophosphate dehydrogenase 1; minus strand). Cytogenetic location: 7q32.1.
Variant type: single nucleotide variant.
Coding change: c.1165+5G>C on transcript NM_000883.4 (MANE Select); 5 bases into the intron after coding-DNA position 1165, G replaced by C.
Molecular consequence: intron variant.
Genome position (GRCh38, 1-based): chr7:128,396,927, C>G on the plus strand (G>C on the coding strand, the complement: IMPDH1 is on the minus strand). VCF-style: chr7-128396927-C-G. GRCh37 (hg19) VCF-style: chr7-128036981-C-G.
Other names: c.958+5G>C (NM_001304521.2); c.1057+5G>C (NM_183243.3); c.1135+5G>C (NM_001102605.2); c.1066+5G>C (NM_001142576.2); c.835+5G>C (NM_001142575.2); c.895+5G>C (NM_001142574.2); c.910+5G>C (NM_001142573.2).
Identifiers: ClinVar variation 3673883 (VCV003673883.2).